The following is an entry in ClinVar:

NM_000384.3(APOB):c.8299C>T (p.Pro2767Ser)

Gene: APOB (apolipoprotein B; minus strand). Cytogenetic location: 2p24.1.
Variant type: single nucleotide variant.
Coding change: c.8299C>T on transcript NM_000384.3 (MANE Select); coding-DNA position 8299, C replaced by T.
Protein change: p.Pro2767Ser; replaces proline 2767 with serine.
Molecular consequence: missense variant.
Genome position (GRCh38, 1-based): chr2:21,008,569, G>A on the plus strand (C>T on the coding strand, the complement: APOB is on the minus strand). VCF-style: chr2-21008569-G-A. GRCh37 (hg19) VCF-style: chr2-21231441-G-A.
Other names: short protein forms P2767S.
Identifiers: ClinVar variation 924110 (VCV000924110.11), dbSNP rs138465008, ClinGen allele CA065500.

ClinVar aggregate classification (germline): Conflicting classifications of pathogenicity. Review status: criteria provided, conflicting classifications (1 of 4 stars). 3 submissions from 3 submitters: Uncertain significance (2); Likely benign (1). Last evaluated 2025-07-21.

Conditions:
Cardiovascular phenotype. Identifiers: MedGen CN230736.
Familial hypobetalipoproteinemia 1. Also called: Hypobetalipoproteinemia, normotriglyceridemic; Acanthocytosis with hypobetalipoproteinemia; APOB-Related Familial Hypobetalipoproteinemia. Identifiers: MedGen C4551990, MONDO:0014252, OMIM 615558.
Hypercholesterolemia, autosomal dominant, type B (FHCL2). Also called: Familial Hypercholesterolemia Type B; HYPERCHOLESTEROLEMIA, FAMILIAL, DUE TO LIGAND-DEFECTIVE APOLIPOPROTEIN B; Familial hypercholesterolemia 2; APOB-Related Familial Hypercholesterolemia, Autosomal Dominant; APOLIPOPROTEIN B-100, FAMILIAL DEFECTIVE; APOLIPOPROTEIN B-100, FAMILIAL LIGAND-DEFECTIVE. Identifiers: MedGen C1704417, MONDO:0007751, OMIM 144010.

Allele frequency attached by ClinVar (database versions not stated): gnomAD exomes 0.00001 and 0.00004; ExAC 0.00002; gnomAD 0.00003; ESP Exome Variant Server 0.00015.
gnomAD v4.1: 70 of 1,614,020 alleles (0.0043%); highest among the groups gnomAD compares: Non-Finnish European, 0.0056%; no homozygotes.

Submissions (3):

Labcorp Genetics (formerly Invitae), Labcorp
Classification: Likely benign for Familial hypobetalipoproteinemia 1; Hypercholesterolemia, autosomal dominant, type B. Last evaluated: 2025-07-21. Review status: criteria provided, single submitter. Criteria: Invitae Variant Classification Sherloc (09022015). Collection method: clinical testing. Allele origin: germline.

Ambry Genetics
Classification: Uncertain significance for Cardiovascular phenotype. Last evaluated: 2023-11-29. Review status: criteria provided, single submitter. Criteria: Ambry Variant Classification Scheme 2023. Collection method: clinical testing. Allele origin: germline.
Comment: The p.P2767S variant (also known as c.8299C>T), located in coding exon 26 of the APOB gene, results from a C to T substitution at nucleotide position 8299. The proline at codon 2767 is replaced by serine, an amino acid with similar properties. This amino acid position is conserved. In addition, this alteration is predicted to be tolerated by in silico analysis. Since supporting evidence is limited at this time, the clinical significance of this alteration remains unclear.

Fulgent Genetics
Classification: Uncertain significance for Hypercholesterolemia, autosomal dominant, type B; Familial hypobetalipoproteinemia 1. Last evaluated: 2021-09-01. Review status: criteria provided, single submitter. Criteria: ACMG Guidelines, 2015. Collection method: clinical testing. Allele origin: unknown.